The following is an entry in ClinVar:

NM_015599.3(PGM3):c.669A>C (p.Glu223Asp)

Gene: PGM3 (phosphoglucomutase 3; minus strand). Cytogenetic location: 6q14.1.
Variant type: single nucleotide variant.
Coding change: c.669A>C on transcript NM_015599.3 (MANE Select); coding-DNA position 669, A replaced by C.
Protein change: p.Glu223Asp; replaces glutamic acid 223 with aspartic acid.
Molecular consequence: missense variant. On other transcripts: non-coding transcript variant (1).
Genome position (GRCh38, 1-based): chr6:83,181,854, T>G on the plus strand (A>C on the coding strand, the complement: PGM3 is on the minus strand). VCF-style: chr6-83181854-T-G. GRCh37 (hg19) VCF-style: chr6-83891573-T-G.
Other names: c.753A>C, p.Glu251Asp (NM_001199917.2, NM_001367287.1); c.426A>C, p.Glu142Asp (NM_001199918.2); c.669A>C, p.Glu223Asp (NM_001199919.2, NM_001367286.1); short protein forms E142D, E223D, E251D.
Identifiers: ClinVar variation 4999147 (VCV004999147.1).
Genomic context (GRCh38, chr6:83,181,854, plus strand): 5'-GCCCTTGGACCCATCATTAAACAGCTGAACTGACAGGCCCTGTGAGAAGTAGTGTTCCAT[T>G]TCCCTTAGCTTCAGGGCCCCTATGCCATTTGCACAGTCAACCTTAAGTGATCTGTATTCA-3'
Protein context (NP_056414.1, residues 213-233): ANGIGALKLR[Glu223Asp]MEHYFSQGLS

ClinVar aggregate classification (germline): Uncertain significance (1 of 4 stars; one submission).

Conditions:
PGM3-related disorder. Also called: PGM3-related condition.

gnomAD v4.1: 2 of 1,613,858 alleles (0.00012%); highest among the groups gnomAD compares: Non-Finnish European, 0.00017%; no homozygotes.

Submission:

PreventionGenetics, part of Exact Sciences
Classification: Uncertain significance for PGM3-related condition. Last evaluated: 2024-11-09. Review status: criteria provided, single submitter. Criteria: ACMG Guidelines, 2015. Collection method: clinical testing. Allele origin: germline.
Comment: The PGM3 c.753A>C variant is predicted to result in the amino acid substitution p.Glu251Asp. To our knowledge, this variant has not been reported in the literature or in a large population database (gnomAD), indicating this variant is rare. At this time, the clinical significance of this variant is uncertain due to the absence of conclusive functional and genetic evidence.